The following is an entry in ClinVar:

NM_000138.5(FBN1):c.164+1del

Gene: FBN1 (fibrillin 1; minus strand). Cytogenetic location: 15q21.1.
Variant type: Deletion.
Coding change: c.164+1del on transcript NM_000138.5 (MANE Select); the canonical splice donor site of the intron after coding-DNA position 164, one base deleted (G; older notation c.164+1delG).
Molecular consequence: splice donor variant.
Genome position (GRCh38, 1-based): chr15:48,644,605, C deleted on the plus strand (G on the coding strand, the reverse complement: FBN1 is on the minus strand); the first of 3 consecutive C bases (chr15:48,644,605-48,644,607); deleting any one gives the same sequence. VCF-style (leftmost placement, unchanged base first): chr15-48644604-AC-A. GRCh37 (hg19) VCF-style: chr15-48936801-AC-A.
Other names: c.164+1del (NM_001406716.1, NM_001406717.1, NM_001406718.1).
Identifiers: ClinVar variation 549031 (VCV000549031.23), dbSNP rs1555407399, ClinGen allele CA658825079.

ClinVar aggregate classification (germline): Pathogenic/Likely pathogenic. Review status: criteria provided, multiple submitters, no conflicts (2 of 4 stars). 3 submissions from 3 submitters: Pathogenic (1); Likely pathogenic (1). 1 of the submissions does not count toward it. Last evaluated 2022-09-22.

Conditions:
Familial thoracic aortic aneurysm and aortic dissection (TAAD). Also called: Thoracic aortic aneurysms and dissections. Identifiers: Orphanet 91387, MedGen C4707243, MONDO:0019625.
Marfan syndrome (MFS). Also called: Marfan syndrome type 1; Marfan syndrome, classic; Marfan's syndrome; FBN1-Related Marfan Syndrome; MARFAN SYNDROME, TYPE I. Identifiers: Orphanet 284963, Orphanet 558, MedGen C0024796, MONDO:0007947, OMIM 154700.

Submissions (3):

Labcorp Genetics (formerly Invitae), Labcorp
Classification: Pathogenic for Marfan syndrome; Familial thoracic aortic aneurysm and aortic dissection. Last evaluated: 2022-09-22. Review status: criteria provided, single submitter. Criteria: Invitae Variant Classification Sherloc (09022015). Collection method: clinical testing. Allele origin: germline.
Comment: This sequence change creates a premature translational stop signal (p.Gly55Aspfs*53) in the FBN1 gene. It is expected to result in an absent or disrupted protein product. Loss-of-function variants in FBN1 are known to be pathogenic (PMID: 17657824, 19293843). This variant is not present in population databases (gnomAD no frequency). This variant has not been reported in the literature in individuals affected with FBN1-related conditions. This variant is also known as c.164+1del. ClinVar contains an entry for this variant (Variation ID: 549031). Algorithms developed to predict the effect of sequence changes on RNA splicing suggest that this variant may disrupt the consensus splice site. For these reasons, this variant has been classified as Pathogenic.

Centre of Medical Genetics, University of Antwerp
Classification: Likely pathogenic for Marfan syndrome. Last evaluated: 2021-03-01. Review status: criteria provided, single submitter. Criteria: Submitter's publication. Collection method: research. Allele origin: unknown. Affected: yes.
Comment: PM2, PS7, PP4

Center for Medical Genetics Ghent, University of Ghent
Classification: Pathogenic for Marfan syndrome. Last evaluated: 2017-11-07. Review status: no assertion criteria provided. Collection method: clinical testing. Allele origin: germline. Affected: yes. Not counted in ClinVar's aggregate classification.

Literature cited by the submitters: PubMed 17657824 (cited by Labcorp Genetics (formerly Invitae), Labcorp); PubMed 19293843 (cited by Labcorp Genetics (formerly Invitae), Labcorp).